The following is an entry in ClinVar:

ClinVar aggregate classification (germline): Uncertain significance. Review status: criteria provided, multiple submitters, no conflicts (2 of 4 stars). 3 submissions from 3 submitters: Uncertain significance (3). Last evaluated 2024-12-06.

Allele frequency attached by ClinVar (database versions not stated): gnomAD exomes below 0.00001 and 0.00002; TOPMed below 0.00001; ExAC 0.00001; ESP Exome Variant Server 0.00008.

Submissions (3):

Ambry Genetics
Classification: Uncertain significance. Last evaluated: 2024-12-06. Review status: criteria provided, single submitter. Criteria: Ambry Variant Classification Scheme 2023. Collection method: clinical testing. Allele origin: germline.

Women's Health and Genetics/Laboratory Corporation of America, LabCorp
Classification: Uncertain significance. Last evaluated: 2021-03-15. Review status: criteria provided, single submitter. Criteria: LabCorp Variant Classification Summary - May 2015. Collection method: clinical testing. Allele origin: germline.
Comment: Variant summary: A2ML1 c.269C>T (p.Thr90Ile) results in a non-conservative amino acid change in the encoded protein sequence. Four of five in-silico tools predict a benign effect of the variant on protein function. The variant allele was found at a frequency of 1.6e-05 in 249358 control chromosomes. The available data on variant occurrences in the general population are insufficient to allow any conclusion about variant significance. To our knowledge, no occurrence of c.269C>T in individuals affected with Noonan Syndrome and no experimental evidence demonstrating its impact on protein function have been reported. No clinical diagnostic laboratories have submitted clinical-significance assessments for this variant to ClinVar after 2014. Based on the evidence outlined above, the variant was classified as uncertain significance.

Labcorp Genetics (formerly Invitae), Labcorp
Classification: Uncertain significance. Last evaluated: 2020-09-09. Review status: criteria provided, single submitter. Criteria: Invitae Variant Classification Sherloc (09022015). Collection method: clinical testing. Allele origin: germline.
Comment: In summary, the available evidence is currently insufficient to determine the role of this variant in disease. Therefore, it has been classified as a Variant of Uncertain Significance. Algorithms developed to predict the effect of missense changes on protein structure and function do not agree on the potential impact of this missense change (SIFT: "Tolerated"; PolyPhen-2: "Benign"; Align-GVGD: "Class C0"). This variant has not been reported in the literature in individuals with A2ML1-related disease. This variant is present in population databases (rs369174815, ExAC 0.002%). This sequence change replaces threonine with isoleucine at codon 90 of the A2ML1 protein (p.Thr90Ile). The threonine residue is moderately conserved and there is a moderate physicochemical difference between threonine and isoleucine.

NM_144670.6(A2ML1):c.269C>T (p.Thr90Ile)

Genes: A2ML1 (alpha-2-macroglobulin like 1; plus strand), A2ML1-AS1 (A2ML1 antisense RNA 1; minus strand). Cytogenetic location: 12p13.31.
Variant type: single nucleotide variant.
Coding change: c.269C>T on transcript NM_144670.6 (MANE Select); coding-DNA position 269, C replaced by T.
Protein change: p.Thr90Ile; replaces threonine 90 with isoleucine.
Molecular consequence: missense variant.
Genome position (GRCh38, 1-based): chr12:8,823,742, C>T. VCF-style: chr12-8823742-C-T. GRCh37 (hg19) VCF-style: chr12-8976338-C-T.
Other names: short protein forms T90I.
Identifiers: ClinVar variation 1023720 (VCV001023720.13), dbSNP rs369174815, ClinGen allele CA6435223.